The following is an entry in ClinVar:

ClinVar aggregate classification (germline): Benign/Likely benign. Review status: criteria provided, multiple submitters, no conflicts (2 of 4 stars). 4 submissions from 4 submitters: Benign (2); Likely benign (2). Last evaluated 2026-01-28.

Conditions:
Pyruvate dehydrogenase E1-alpha deficiency (PDHAD). Also called: ATAXIA, INTERMITTENT, WITH PYRUVATE DEHYDROGENASE DEFICIENCY; ATAXIA WITH LACTIC ACIDOSIS I; ATAXIA, INTERMITTENT, WITH ABNORMAL PYRUVATE METABOLISM; Ataxia, intermittent, with pyruvate dehydrogenase, or decarboxylase, deficiency. Identifiers: Orphanet 79243, MedGen C1839413, MONDO:0010717, OMIM 312170.

Allele frequency attached by ClinVar (database versions not stated): TOPMed 0.00025; ESP Exome Variant Server 0.00028.
gnomAD v4.1: 401 of 1,209,500 alleles (0.033%); highest among the groups gnomAD compares: Non-Finnish European, 0.042%; 1 homozygote.

Submissions (4):

Labcorp Genetics (formerly Invitae), Labcorp
Classification: Benign for Pyruvate dehydrogenase E1-alpha deficiency. Last evaluated: 2026-01-28. Review status: criteria provided, single submitter. Criteria: Invitae Variant Classification Sherloc (09022015). Collection method: clinical testing. Allele origin: germline.

Blueprint Genetics
Classification: Likely benign. Last evaluated: 2024-11-22. Review status: criteria provided, single submitter. Criteria: ACMG Guidelines, 2015. Collection method: clinical testing. Allele origin: germline.

CeGaT Center for Human Genetics Tuebingen
Classification: Likely benign. Last evaluated: 2023-06-01. Review status: criteria provided, single submitter. Criteria: CeGaT Center For Human Genetics Tuebingen Variant Classification Criteria Version 2. Collection method: clinical testing. Allele origin: germline. Affected: yes. Observed: 2 variant alleles.
Comment: PDHA1: BS2

GeneDx
Classification: Benign. Last evaluated: 2015-05-06. Review status: criteria provided, single submitter. Criteria: GeneDx Variant Classification (06012015). Collection method: clinical testing. Allele origin: germline. Affected: yes.
Comment: This variant is considered likely benign or benign based on one or more of the following criteria: it is a conservative change, it occurs at a poorly conserved position in the protein, it is predicted to be benign by multiple in silico algorithms, and/or has population frequency not consistent with disease.

NM_000284.4(PDHA1):c.604-14G>A

Gene: PDHA1 (pyruvate dehydrogenase E1 subunit alpha 1; plus strand). Cytogenetic location: Xp22.12.
Variant type: single nucleotide variant.
Coding change: c.604-14G>A on transcript NM_000284.4 (MANE Select); 14 bases into the intron before coding-DNA position 604, G replaced by A.
Molecular consequence: intron variant.
Genome position (GRCh38, 1-based): chrX:19,355,335, G>A. VCF-style: chrX-19355335-G-A. GRCh37 (hg19) VCF-style: chrX-19373453-G-A.
Other names: c.718-14G>A (NM_001173454.2); c.625-14G>A (NM_001173455.2); c.511-14G>A (NM_001173456.2).
Identifiers: ClinVar variation 378341 (VCV000378341.41), dbSNP rs377192586, ClinGen allele CA10363072.